The following is an entry in ClinVar:

NM_001134707.2(SARDH):c.1942A>G (p.Met648Val)

Gene: SARDH (sarcosine dehydrogenase; minus strand). Cytogenetic location: 9q34.2.
Variant type: single nucleotide variant.
Coding change: c.1942A>G on transcript NM_001134707.2 (MANE Select); coding-DNA position 1942, A replaced by G.
Protein change: p.Met648Val; replaces methionine 648 with valine.
Molecular consequence: missense variant.
Genome position (GRCh38, 1-based): chr9:133,690,507, T>C on the plus strand (A>G on the coding strand, the complement: SARDH is on the minus strand). VCF-style: chr9-133690507-T-C. GRCh37 (hg19) VCF-style: chr9-136555629-T-C.
Other names: c.1942A>G, p.Met648Val (NM_007101.4); short protein forms M648V.
Identifiers: ClinVar variation 3060969 (VCV003060969.2), dbSNP rs886016, ClinGen allele CA5314100.

ClinVar aggregate classification (germline): Benign (0 of 4 stars; one submission).

Conditions:
SARDH-related disorder. Also called: SARDH-related condition.

Allele frequency attached by ClinVar (database versions not stated): ExAC 0.44150; gnomAD 0.50806; ESP Exome Variant Server 0.51753; TOPMed 0.52787; 1000 Genomes Project 0.55451; gnomAD exomes 0.40194; 1000 Genomes Project 30x 0.55981.
gnomAD v4.1: 662,563 of 1,605,484 alleles (41%); highest among the groups gnomAD compares: African/African-American, 78%; 143,216 homozygotes.

Submission:

PreventionGenetics, part of Exact Sciences
Classification: Benign for SARDH-related condition. Last evaluated: 2019-10-18. Review status: no assertion criteria provided. Collection method: clinical testing. Allele origin: germline.
Comment: This variant is classified as benign based on ACMG/AMP sequence variant interpretation guidelines (Richards et al. 2015 PMID: 25741868, with internal and published modifications).